The following is an entry in ClinVar:

ClinVar aggregate classification (germline): Uncertain significance (1 of 4 stars; one submission).

Submission:

Ambry Genetics
Classification: Uncertain significance. Last evaluated: 2026-07-10. Review status: criteria provided, single submitter. Criteria: Ambry Variant Classification Scheme 2023. Collection method: clinical testing. Allele origin: germline.
Comment: The p.C1456G variant (also known as c.4366T>G), located in coding exon 19 of the WNK2 gene, results from a T to G substitution at nucleotide position 4366. The cysteine at codon 1456 is replaced by glycine, an amino acid with highly dissimilar properties. This amino acid position is conserved. In addition, this alteration is predicted to be tolerated by in silico analysis. Based on the available evidence, the clinical significance of this variant remains unclear.

NM_006648.4(WNK2):c.4366T>G (p.Cys1456Gly)

Gene: WNK2 (WNK lysine deficient protein kinase 2; plus strand). Cytogenetic location: 9q22.31.
Variant type: single nucleotide variant.
Coding change: c.4366T>G on transcript NM_006648.4 (MANE Select); coding-DNA position 4366, T replaced by G.
Protein change: p.Cys1456Gly; replaces cysteine 1456 with glycine.
Molecular consequence: missense variant.
Genome position (GRCh38, 1-based): chr9:93,289,120, T>G. VCF-style: chr9-93289120-T-G. GRCh37 (hg19) VCF-style: chr9-96051402-T-G.
Other names: c.4477T>G, p.Cys1493Gly (NM_001282394.3); short protein forms C1456G, C1493G.
Identifiers: ClinVar variation 5031839 (VCV005031839.1).
Genomic context (GRCh38, chr9:93,289,120, plus strand): 5'-CTAGCGGAGACTCACGAGGCCCCGCTTGCTGTGCAGCCCCTCGTGGTGGGCCTAGCACCT[T>G]GCACTCCAGCTCCAGAGGCTGCCTCAACCAGGGACGCCAGTGCCCCAAGGGAGCCCCTGC-3'
Protein context (NP_006639.3, residues 1446-1466): VQPLVVGLAP[Cys1456Gly]TPAPEAASTR